The following is an entry in ClinVar:

ClinVar aggregate classification (germline): Conflicting classifications of pathogenicity. Review status: criteria provided, conflicting classifications (1 of 4 stars). 3 submissions from 3 submitters: Uncertain significance (2); Likely benign (1). Last evaluated 2025-12-08.

Conditions:
Anemia, nonspherocytic hemolytic, due to G6PD deficiency (CNSHA1). Also called: Hemolytic anemia due to G6PD deficiency; ANEMIA, CONGENITAL, NONSPHEROCYTIC HEMOLYTIC, 1; Class I glucose-6-phosphate dehydrogenase deficiency; Favism, susceptibility to. Identifiers: Orphanet 466026, MedGen C2720289, MONDO:0010480, OMIM 300908.

Submissions (3):

Labcorp Genetics (formerly Invitae), Labcorp
Classification: Uncertain significance for Anemia, nonspherocytic hemolytic, due to G6PD deficiency. Last evaluated: 2025-12-08. Review status: criteria provided, single submitter. Criteria: Invitae Variant Classification Sherloc (09022015). Collection method: clinical testing. Allele origin: germline.
Comment: This sequence change replaces arginine, which is basic and polar, with histidine, which is basic and polar, at codon 330 of the G6PD protein (p.Arg330His). The frequency data for this variant in the population databases is considered unreliable, as metrics indicate poor data quality at this position in the gnomAD database. This missense change has been observed in individual(s) with glucose-6-phosphate dehydrogenase deficiency (PMID: 15315792). This variant is also known as G6PD Insuli. ClinVar contains an entry for this variant (Variation ID: 1722701). An algorithm developed to predict the effect of missense changes on protein structure and function outputs the following: PolyPhen-2: "Benign". The histidine amino acid residue is found in multiple mammalian species, which suggests that this missense change does not adversely affect protein function. In summary, the available evidence is currently insufficient to determine the role of this variant in disease. Therefore, it has been classified as a Variant of Uncertain Significance.

Dunham Lab, University of Washington
Classification: Uncertain significance for Anemia, nonspherocytic hemolytic, due to G6PD deficiency. Last evaluated: 2022-08-12. Review status: criteria provided, single submitter. Criteria: Bayesian ACMG Guidelines, 2018. Collection method: curation. Allele origin: unknown. Affected: yes.
Comment: Activity in red blood cells 53-100% of normal (PS3, BS3). Below expected carrier frequency in gnomAD (PM2). Post_P 0.500 (odds of pathogenicity 9.01, Prior_P 0.1).

Blueprint Genetics
Classification: Likely benign. Last evaluated: 2021-10-08. Review status: criteria provided, single submitter. Criteria: ACMG Guidelines, 2015. Collection method: clinical testing. Allele origin: germline.

Literature cited by the submitters: PubMed 15315792 (cited by Labcorp Genetics (formerly Invitae), Labcorp and Dunham Lab, University of Washington); PubMed 12737940 (cited by Dunham Lab, University of Washington).

NM_001360016.2(G6PD):c.989G>A (p.Arg330His)

Gene: G6PD (glucose-6-phosphate dehydrogenase; minus strand). Cytogenetic location: Xq28.
Variant type: single nucleotide variant.
Coding change: c.989G>A on transcript NM_001360016.2 (MANE Select); coding-DNA position 989, G replaced by A.
Protein change: p.Arg330His; replaces arginine 330 with histidine.
Molecular consequence: missense variant.
Genome position (GRCh38, 1-based): chrX:154,533,004, C>T on the plus strand (G>A on the coding strand, the complement: G6PD is on the minus strand). VCF-style: chrX-154533004-C-T. GRCh37 (hg19) VCF-style: chrX-153761219-C-T.
Other names: G6PD Insuli; c.1079G>A, p.Arg360His (NM_000402.4); c.989G>A, p.Arg330His (NM_001042351.3); short protein forms R330H, R360H.
Identifiers: ClinVar variation 1722701 (VCV001722701.8), dbSNP rs868950643, ClinGen allele CA415234472.
Genomic context (GRCh38, chrX:154,533,004, plus strand): 5'-TCCCACCTCTCATTCTCCACATAGAGGACGACGGCTGCAAAAGTGGCGGTGGTGGACCCG[C>T]GGGGCACCGTGGGGTCGTCCAGGTACCCTTTGGTGGCCTCGCCCTCTCCATCGGGGTTCC-3'
Protein context (NP_001346945.1, residues 320-340): KGYLDDPTVP[Arg330His]GSTTATFAAV